The following is an entry in ClinVar:

NM_000552.5(VWF):c.6961C>A (p.Pro2321Thr)

Gene: VWF (von Willebrand factor; minus strand). Cytogenetic location: 12p13.31.
Variant type: single nucleotide variant.
Coding change: c.6961C>A on transcript NM_000552.5 (MANE Select); coding-DNA position 6961, C replaced by A.
Protein change: p.Pro2321Thr; replaces proline 2321 with threonine.
Molecular consequence: missense variant.
Genome position (GRCh38, 1-based): chr12:5,985,060, G>T on the plus strand (C>A on the coding strand, the complement: VWF is on the minus strand). VCF-style: chr12-5985060-G-T. GRCh37 (hg19) VCF-style: chr12-6094226-G-T.
Other names: c.6961C>A (NM_000552.4); short protein forms P2321T.
Identifiers: ClinVar variation 3912031 (VCV003912031.3).

ClinVar aggregate classification (germline): Uncertain significance. Review status: criteria provided, multiple submitters, no conflicts (2 of 4 stars). 2 submissions from 2 submitters: Uncertain significance (2). Last evaluated 2025-11-05.

Conditions:
VWF-related disorder. Also called: VWF-related condition; VWF-related disorders.

gnomAD v4.1: 5 of 1,614,056 alleles (0.00031%); highest among the groups gnomAD compares: Non-Finnish European, 0.00034%; no homozygotes.

Submissions (2):

PreventionGenetics, part of Exact Sciences
Classification: Uncertain significance for VWF-related condition. Last evaluated: 2025-11-05. Review status: criteria provided, single submitter. Criteria: ACMG Guidelines, 2015. Collection method: clinical testing. Allele origin: germline.
Comment: The VWF c.6961C>A variant is predicted to result in the amino acid substitution p.Pro2321Thr. To our knowledge, this variant has not been reported in the literature. This variant is reported in 0.0015% of alleles in individuals of European (Non-Finnish) descent in gnomAD. At this time, the clinical significance of this variant is uncertain due to the absence of conclusive functional and genetic evidence.

Women's Health and Genetics/Laboratory Corporation of America, LabCorp
Classification: Uncertain significance. Last evaluated: 2025-07-01. Review status: criteria provided, single submitter. Criteria: LabCorp Variant Classification Summary - May 2015. Collection method: clinical testing. Allele origin: germline.
Comment: Variant summary: VWF c.6961C>A (p.Pro2321Thr) results in a non-conservative amino acid change in the encoded protein sequence. Algorithms developed to predict the effect of missense changes on protein structure and function are either unavailable or do not agree on the potential impact of this missense change. The variant allele was found at a frequency of 8e-06 in 251480 control chromosomes. The available data on variant occurrences in the general population are insufficient to allow any conclusion about variant significance. To our knowledge, no occurrence of c.6961C>A in individuals affected with Von Willebrand Disease and no experimental evidence demonstrating its impact on protein function have been reported. No submitters have cited clinical-significance assessments for this variant to ClinVar. Based on the evidence outlined above, the variant was classified as uncertain significance.